The following is an entry in ClinVar:

ClinVar aggregate classification (germline): Likely benign (0 of 4 stars; one submission).

Conditions:
MC4R-related disorder. Also called: MC4R-related condition.

Submission:

PreventionGenetics, part of Exact Sciences
Classification: Likely benign for MC4R-related condition. Last evaluated: 2024-05-17. Review status: no assertion criteria provided. Collection method: clinical testing. Allele origin: germline.
Comment: This variant is classified as likely benign based on ACMG/AMP sequence variant interpretation guidelines (Richards et al. 2015 PMID: 25741868, with internal and published modifications).

NM_005912.3(MC4R):c.834G>A (p.Val278=)

Gene: MC4R (melanocortin 4 receptor; minus strand). Cytogenetic location: 18q21.32.
Variant type: single nucleotide variant.
Coding change: c.834G>A on transcript NM_005912.3 (MANE Select); coding-DNA position 834, G replaced by A.
Protein change: p.Val278=; no amino-acid change (valine 278 retained).
Molecular consequence: synonymous variant.
Genome position (GRCh38, 1-based): chr18:60,371,516, C>T on the plus strand (G>A on the coding strand, the complement: MC4R is on the minus strand). VCF-style: chr18-60371516-C-T. GRCh37 (hg19) VCF-style: chr18-58038749-C-T.
Identifiers: ClinVar variation 3352809 (VCV003352809.1).